The following is an entry in ClinVar:

NM_024642.5(GALNT12):c.570G>A (p.Glu190=)

Gene: GALNT12 (polypeptide N-acetylgalactosaminyltransferase 12; plus strand). Cytogenetic location: 9q22.33.
Variant type: single nucleotide variant.
Coding change: c.570G>A on transcript NM_024642.5 (MANE Select); coding-DNA position 570, G replaced by A.
Protein change: p.Glu190=; no amino-acid change (glutamic acid 190 retained).
Molecular consequence: synonymous variant.
Genome position (GRCh38, 1-based): chr9:98,826,780, G>A. VCF-style: chr9-98826780-G-A. GRCh37 (hg19) VCF-style: chr9-101589062-G-A.
Identifiers: ClinVar variation 2566263 (VCV002566263.3), dbSNP rs2490501427, ClinGen allele CA466423746.

ClinVar aggregate classification (germline): Benign/Likely benign. Review status: criteria provided, multiple submitters, no conflicts (2 of 4 stars). 2 submissions from 2 submitters: Benign (1); Likely benign (1). Last evaluated 2026-04-23.

Conditions:
Colorectal cancer, susceptibility to, 1. Also called: COLORECTAL ADENOMA AND CANCER, SUSCEPTIBILITY TO; COLORECTAL CANCER, SUSCEPTIBILITY TO, ON CHROMOSOME 9. Identifiers: MedGen C1837315, MONDO:0012132, OMIM 608812.

gnomAD v4.1: 1 of 1,611,894 alleles (0.000062%); highest among the groups gnomAD compares: East Asian, 0.0022%; no homozygotes.

Submissions (2):

Myriad Genetics, Inc.
Classification: Benign for Colorectal cancer, susceptibility to, 1. Last evaluated: 2026-04-23. Review status: criteria provided, single submitter. Criteria: Myriad Autosomal Dominant, Autosomal Recessive and X-Linked Classification Criteria (2023). Collection method: clinical testing. Allele origin: unknown.
Comment: This variant is considered benign. This variant is a silent/synonymous amino acid change and it is not expected to impact splicing.

Ambry Genetics
Classification: Likely benign. Last evaluated: 2023-04-28. Review status: criteria provided, single submitter. Criteria: Ambry Variant Classification Scheme 2023. Collection method: clinical testing. Allele origin: germline.